The following is an entry in ClinVar:

NM_004525.3(LRP2):c.5968A>T (p.Thr1990Ser)

Gene: LRP2 (LDL receptor related protein 2; minus strand). Cytogenetic location: 2q31.1.
Variant type: single nucleotide variant.
Coding change: c.5968A>T on transcript NM_004525.3 (MANE Select); coding-DNA position 5968, A replaced by T.
Protein change: p.Thr1990Ser; replaces threonine 1990 with serine.
Molecular consequence: missense variant.
Genome position (GRCh38, 1-based): chr2:169,213,729, T>A on the plus strand (A>T on the coding strand, the complement: LRP2 is on the minus strand). VCF-style: chr2-169213729-T-A. GRCh37 (hg19) VCF-style: chr2-170070239-T-A.
Other names: short protein forms T1990S.
Identifiers: ClinVar variation 1372079 (VCV001372079.6), dbSNP rs1688679043, ClinGen allele CA349133636.

ClinVar aggregate classification (germline): Uncertain significance (1 of 4 stars; one submission).

Allele frequency attached by ClinVar (database versions not stated): gnomAD 0.00001; TOPMed 0.00001.
gnomAD v4.1: 1 of 1,613,712 alleles (0.000062%); highest among the groups gnomAD compares: Admixed American, 0.0017%; no homozygotes.

Submission:

Labcorp Genetics (formerly Invitae), Labcorp
Classification: Uncertain significance. Last evaluated: 2024-02-24. Review status: criteria provided, single submitter. Criteria: Invitae Variant Classification Sherloc (09022015). Collection method: clinical testing. Allele origin: germline.
Comment: This sequence change replaces threonine, which is neutral and polar, with serine, which is neutral and polar, at codon 1990 of the LRP2 protein (p.Thr1990Ser). This variant is not present in population databases (gnomAD no frequency). This variant has not been reported in the literature in individuals affected with LRP2-related conditions. ClinVar contains an entry for this variant (Variation ID: 1372079). Advanced modeling of protein sequence and biophysical properties (such as structural, functional, and spatial information, amino acid conservation, physicochemical variation, residue mobility, and thermodynamic stability) performed at Invitae indicates that this missense variant is not expected to disrupt LRP2 protein function with a negative predictive value of 95%. In summary, the available evidence is currently insufficient to determine the role of this variant in disease. Therefore, it has been classified as a Variant of Uncertain Significance.